The following is an entry in ClinVar:

ClinVar aggregate classification (germline): Uncertain significance (1 of 4 stars; one submission).

Conditions:
Perlman syndrome (PRLMNS). Identifiers: Orphanet 2849, MedGen C0796113, MONDO:0009965, OMIM 267000.

gnomAD v4.1: 2 of 1,611,958 alleles (0.00012%); highest among the groups gnomAD compares: South Asian, 0.0011%; no homozygotes.

Submission:

Labcorp Genetics (formerly Invitae), Labcorp
Classification: Uncertain significance for Perlman syndrome. Last evaluated: 2022-05-25. Review status: criteria provided, single submitter. Criteria: Invitae Variant Classification Sherloc (09022015). Collection method: clinical testing. Allele origin: germline.
Comment: In summary, the available evidence is currently insufficient to determine the role of this variant in disease. Therefore, it has been classified as a Variant of Uncertain Significance. ClinVar contains an entry for this variant (Variation ID: 1020217). Algorithms developed to predict the effect of missense changes on protein structure and function are either unavailable or do not agree on the potential impact of this missense change (SIFT: "Tolerated"; PolyPhen-2: "Probably Damaging"; Align-GVGD: "Class C0"). This variant has not been reported in the literature in individuals affected with DIS3L2-related conditions. This variant is not present in population databases (gnomAD no frequency). This sequence change replaces glutamine, which is neutral and polar, with arginine, which is basic and polar, at codon 438 of the DIS3L2 protein (p.Gln438Arg).

NM_152383.5(DIS3L2):c.1313A>G (p.Gln438Arg)

Gene: DIS3L2 (DIS3 like 3'-5' exoribonuclease 2; plus strand). Cytogenetic location: 2q37.1.
Variant type: single nucleotide variant.
Coding change: c.1313A>G on transcript NM_152383.5 (MANE Select); coding-DNA position 1313, A replaced by G.
Protein change: p.Gln438Arg; replaces glutamine 438 with arginine.
Molecular consequence: missense variant. On other transcripts: non-coding transcript variant (2).
Genome position (GRCh38, 1-based): chr2:232,238,641, A>G. VCF-style: chr2-232238641-A-G. GRCh37 (hg19) VCF-style: chr2-233103351-A-G.
Other names: c.1313A>G, p.Gln438Arg (NM_001257281.2); short protein forms Q438R.
Identifiers: ClinVar variation 1020217 (VCV001020217.5), dbSNP rs1692999444, ClinGen allele CA351154788.
Genomic context (GRCh38, chr2:232,238,641, plus strand): 5'-CGGAGGGATCTGATCTGGATAAAGTGGCTGCCGAGAGGGCTACAAGCGTCTACTTGGTTC[A>G]AAAGGTAAAAATCCATCTCTAGTTTCTTTTTTCTTGCTTTGTTTATTTGTTTGTTTCCCT-3'
Protein context (NP_689596.4, residues 428-448): AERATSVYLV[Gln438Arg]KVVPMLPRLL